The following is an entry in ClinVar:

NM_001903.5(CTNNA1):c.2676C>A (p.Asn892Lys)

Gene: CTNNA1 (catenin alpha 1; plus strand). Cytogenetic location: 5q31.2.
Variant type: single nucleotide variant.
Coding change: c.2676C>A on transcript NM_001903.5 (MANE Select); coding-DNA position 2676, C replaced by A.
Protein change: p.Asn892Lys; replaces asparagine 892 with lysine.
Molecular consequence: missense variant. On other transcripts: 3 prime UTR variant (5).
Genome position (GRCh38, 1-based): chr5:138,934,044, C>A. VCF-style: chr5-138934044-C-A. GRCh37 (hg19) VCF-style: chr5-138269733-C-A.
Other names: c.*221C>A (NM_001290307.3, NM_001324002.1, NM_001324003.1 and 2 more transcripts); c.2367C>A, p.Asn789Lys (NM_001290309.3); c.2307C>A, p.Asn769Lys (NM_001290310.3); c.1566C>A, p.Asn522Lys (NM_001290312.1, NM_001323987.1, NM_001323988.1 and 12 more transcripts); c.2676C>A, p.Asn892Lys (NM_001323982.2, NM_001323983.1, NM_001323984.2); c.2649C>A, p.Asn883Lys (NM_001323985.2); c.2583C>A, p.Asn861Lys (NM_001323986.2); c.1431C>A, p.Asn477Lys (NM_001324001.1); and 3 more; short protein forms N409K, N441K, N477K, N491K, N522K, N769K, N789K, N861K.
Identifiers: ClinVar variation 3221908 (VCV003221908.1), dbSNP rs2150360275, ClinGen allele CA361135749.

ClinVar aggregate classification (germline): Uncertain significance (1 of 4 stars; one submission).

Conditions:
Hereditary cancer-predisposing syndrome. Also called: Tumor predisposition; Hereditary neoplastic syndrome; Hereditary Cancer Syndrome; Neoplastic Syndromes, Hereditary. Identifiers: Orphanet 140162, MedGen C0027672, MeSH D009386, MONDO:0015356.

Submission:

Ambry Genetics
Classification: Uncertain significance for Hereditary cancer-predisposing syndrome. Last evaluated: 2024-02-24. Review status: criteria provided, single submitter. Criteria: Ambry Variant Classification Scheme 2023. Collection method: clinical testing. Allele origin: germline.
Comment: The p.N892K variant (also known as c.2676C>A), located in coding exon 17 of the CTNNA1 gene, results from a C to A substitution at nucleotide position 2676. The asparagine at codon 892 is replaced by lysine, an amino acid with similar properties. This amino acid position is conserved. In addition, this alteration is predicted to be tolerated by in silico analysis. Based on the available evidence, the clinical significance of this alteration remains unclear.